The following is an entry in ClinVar:

ClinVar aggregate classification (germline): Uncertain significance (1 of 4 stars; one submission).

Conditions:
Dystonic disorder. Also called: Dystonia. Identifiers: MedGen C0013421, MONDO:0003441, HP:0001332.

Submission:

Labcorp Genetics (formerly Invitae), Labcorp
Classification: Uncertain significance for Dystonic disorder. Last evaluated: 2025-01-05. Review status: criteria provided, single submitter. Criteria: Invitae Variant Classification Sherloc (09022015). Collection method: clinical testing. Allele origin: germline.
Comment: This sequence change creates a premature translational stop signal (p.Lys248Glufs*11) in the TOR1A gene. While this is not anticipated to result in nonsense mediated decay, it is expected to disrupt the last 85 amino acid(s) of the TOR1A protein. This variant is not present in population databases (gnomAD no frequency). This variant has not been reported in the literature in individuals affected with TOR1A-related conditions. Experimental studies and prediction algorithms are not available or were not evaluated, and the functional significance of this variant is currently unknown. In summary, the available evidence is currently insufficient to determine the role of this variant in disease. Therefore, it has been classified as a Variant of Uncertain Significance.

NM_000113.3(TOR1A):c.742_743del (p.Lys248fs)

Gene: TOR1A (torsin family 1 member A; minus strand). Cytogenetic location: 9q34.11.
Variant type: Deletion.
Coding change: c.742_743del on transcript NM_000113.3 (MANE Select); coding-DNA positions 742 to 743, 2 bases deleted (AA; older notation c.742_743delAA).
Protein change: p.Lys248fs; shifts the reading frame from lysine 248.
Molecular consequence: frameshift variant.
Genome position (GRCh38, 1-based): chr9:129,818,525-129,818,526, TT deleted on the plus strand (AA on the coding strand, the reverse complement: TOR1A is on the minus strand). VCF-style (leftmost placement, unchanged base first): chr9-129818524-CTT-C. GRCh37 (hg19) VCF-style: chr9-132580803-CTT-C.
Other names: short protein forms K248fs.
Identifiers: ClinVar variation 3711216 (VCV003711216.2).